The following is an entry in ClinVar:

ClinVar aggregate classification (germline): Uncertain significance (1 of 4 stars; one submission).

Submission:

GeneDx
Classification: Uncertain significance. Last evaluated: 2026-02-07. Review status: criteria provided, single submitter. Criteria: GeneDx Variant Classification Process June 2021. Collection method: clinical testing. Allele origin: germline.
Comment: In silico analysis supports that this missense variant has a deleterious effect on protein structure/function; Has not been previously published as pathogenic or benign to our knowledge

NM_018161.5(NADSYN1):c.1096G>A (p.Ala366Thr)

Gene: NADSYN1 (NAD synthetase 1; plus strand). Cytogenetic location: 11q13.4.
Variant type: single nucleotide variant.
Coding change: c.1096G>A on transcript NM_018161.5 (MANE Select); coding-DNA position 1096, G replaced by A.
Protein change: p.Ala366Thr; replaces alanine 366 with threonine.
Molecular consequence: missense variant.
Genome position (GRCh38, 1-based): chr11:71,481,971, G>A. VCF-style: chr11-71481971-G-A. GRCh37 (hg19) VCF-style: chr11-71193017-G-A.
Other names: short protein forms A366T.
Identifiers: ClinVar variation 4888048 (VCV004888048.1).
Genomic context (GRCh38, chr11:71,481,971, plus strand): 5'-GGTCCATTCCAGGCAGGGTTTTTGCTGCCCTTGAGTGGCGGGGTGGACAGCGCAGCCACC[G>A]CCTGCCTCATCTACTCCATGTGCTGCCAGGTCTGCGAGGCCGTGAGGAGTGGAAGTAGGT-3'
Protein context (NP_060631.2, residues 356-376): LSGGVDSAAT[Ala366Thr]CLIYSMCCQV